The following is an entry in ClinVar:

NM_004260.4(RECQL4):c.1417C>G (p.Leu473Val)

Gene: RECQL4 (RecQ like helicase 4; minus strand). Cytogenetic location: 8q24.3.
Variant type: single nucleotide variant.
Coding change: c.1417C>G on transcript NM_004260.4 (MANE Select); coding-DNA position 1417, C replaced by G.
Protein change: p.Leu473Val; replaces leucine 473 with valine.
Molecular consequence: missense variant.
Genome position (GRCh38, 1-based): chr8:144,515,216, G>C on the plus strand (C>G on the coding strand, the complement: RECQL4 is on the minus strand). VCF-style: chr8-144515216-G-C. GRCh37 (hg19) VCF-style: chr8-145740600-G-C.
Other names: short protein forms L473V.
Identifiers: ClinVar variation 135172 (VCV000135172.8), dbSNP rs587778654, ClinGen allele CA161900.

ClinVar aggregate classification (germline): Uncertain significance. Review status: criteria provided, multiple submitters, no conflicts (2 of 4 stars). 3 submissions from 3 submitters: Uncertain significance (2). 1 of the submissions does not count toward it. Last evaluated 2022-03-24.

Conditions:
Rothmund-Thomson syndrome type 2 (RTS2). Identifiers: Orphanet 221016, MedGen C5203410, MONDO:0016369, OMIM 268400.
Baller-Gerold syndrome (BGS). Also called: CRANIOSYNOSTOSIS WITH RADIAL DEFECTS. Identifiers: Orphanet 1225, MedGen C0265308, MONDO:0009039, OMIM 218600.

Submissions (3):

St. Jude Molecular Pathology, St. Jude Children's Research Hospital
Classification: Uncertain significance for Rothmund-Thomson syndrome type 2. Last evaluated: 2022-03-24. Review status: criteria provided, single submitter. Criteria: St. Jude Assertion Criteria 2020. Collection method: clinical testing. Allele origin: germline.
Comment: The RECQL4 c.1417C>G (p.Leu473Val) missense change is absent in gnomAD v2.1.1 (PM2_supporting). In silico tools predict a deleterious effect of this variant on protein function (PP3), but to our knowledge these predictions have not been confirmed by functional assays. To our knowledge, this variant has not been reported in individuals with RECQL4-associated disorders. In summary, this variant meets criteria to be classified as of uncertain significance based on the ACMG/AMP criteria: PM2_supporting, PP3.

Labcorp Genetics (formerly Invitae), Labcorp
Classification: Uncertain significance for Baller-Gerold syndrome. Last evaluated: 2022-02-23. Review status: criteria provided, single submitter. Criteria: Invitae Variant Classification Sherloc (09022015). Collection method: clinical testing. Allele origin: germline.
Comment: In summary, the available evidence is currently insufficient to determine the role of this variant in disease. Therefore, it has been classified as a Variant of Uncertain Significance. Experimental studies and prediction algorithms are not available or were not evaluated, and the functional significance of this variant is currently unknown. ClinVar contains an entry for this variant (Variation ID: 135172). This variant has not been reported in the literature in individuals affected with RECQL4-related conditions. This variant is not present in population databases (gnomAD no frequency). This sequence change replaces leucine, which is neutral and non-polar, with valine, which is neutral and non-polar, at codon 473 of the RECQL4 protein (p.Leu473Val).

ITMI
No classification provided. Condition: AllHighlyPenetrant. Last evaluated: 2013-09-19. Review status: no classification provided. Collection method: reference population. Allele origin: germline. Not counted in ClinVar's aggregate classification.
Comment: Please see associated publication for description of ethnicities

Literature cited by the submitters: PubMed 24728327 (cited by ITMI).